The following is an entry in ClinVar:

NM_005263.5(GFI1):c.424T>C (p.Cys142Arg)

Gene: GFI1 (growth factor independent 1 transcriptional repressor; minus strand). Cytogenetic location: 1p22.1.
Variant type: single nucleotide variant.
Coding change: c.424T>C on transcript NM_005263.5 (MANE Select); coding-DNA position 424, T replaced by C.
Protein change: p.Cys142Arg; replaces cysteine 142 with arginine.
Molecular consequence: missense variant.
Genome position (GRCh38, 1-based): chr1:92,480,963, A>G on the plus strand (T>C on the coding strand, the complement: GFI1 is on the minus strand). VCF-style: chr1-92480963-A-G. GRCh37 (hg19) VCF-style: chr1-92946520-A-G.
Other names: c.424T>C, p.Cys142Arg (NM_001127215.3, NM_001127216.3); short protein forms C142R.
Identifiers: ClinVar variation 3853682 (VCV003853682.1).

ClinVar aggregate classification (germline): Uncertain significance (1 of 4 stars; one submission).

gnomAD v4.1: 3 of 1,596,060 alleles (0.00019%); highest among the groups gnomAD compares: South Asian, 0.0011%; no homozygotes.

Submission:

Ambry Genetics
Classification: Uncertain significance. Last evaluated: 2025-01-13. Review status: criteria provided, single submitter. Criteria: Ambry Variant Classification Scheme 2023. Collection method: clinical testing. Allele origin: germline.
Comment: The p.C142R variant (also known as c.424T>C), located in coding exon 3 of the GFI1 gene, results from a T to C substitution at nucleotide position 424. The cysteine at codon 142 is replaced by arginine, an amino acid with highly dissimilar properties. This amino acid position is conserved. In addition, this alteration is predicted to be tolerated by in silico analysis. Based on the available evidence, the clinical significance of this variant remains unclear.